The following is an entry in ClinVar:

NM_000257.4(MYH7):c.758G>A (p.Gly253Glu)

Gene: MYH7 (myosin heavy chain 7; minus strand). Cytogenetic location: 14q11.2.
Variant type: single nucleotide variant.
Coding change: c.758G>A on transcript NM_000257.4 (MANE Select); coding-DNA position 758, G replaced by A.
Protein change: p.Gly253Glu; replaces glycine 253 with glutamic acid.
Molecular consequence: missense variant.
Genome position (GRCh38, 1-based): chr14:23,431,456, C>T on the plus strand (G>A on the coding strand, the complement: MYH7 is on the minus strand). VCF-style: chr14-23431456-C-T. GRCh37 (hg19) VCF-style: chr14-23900665-C-T.
Other names: short protein forms G253E.
Identifiers: ClinVar variation 1023198 (VCV001023198.9), dbSNP rs730880853, ClinGen allele CA389052112.

ClinVar aggregate classification (germline): Conflicting classifications of pathogenicity. Review status: criteria provided, conflicting classifications (1 of 4 stars). 2 submissions from 2 submitters: Likely pathogenic (1); Uncertain significance (1). Last evaluated 2019-12-02.

Conditions:
MYH7-related disorder. Also called: MYH7-related disorders; MYH7-related condition; MYH7-related disease.
Hypertrophic cardiomyopathy. Also called: HYPERTROPHIC MYOCARDIOPATHY. Identifiers: Orphanet 217569, MedGen C0007194, MeSH D002312, MONDO:0005045, HP:0001639.

Submissions (2):

Blueprint Genetics
Classification: Likely pathogenic for MYH7-related disorders. Last evaluated: 2019-12-02. Review status: criteria provided, single submitter. Criteria: ACMG Guidelines, 2015. Collection method: clinical testing. Allele origin: germline. Affected: yes. Observed: 3 variant alleles.

Labcorp Genetics (formerly Invitae), Labcorp
Classification: Uncertain significance for Hypertrophic cardiomyopathy. Last evaluated: 2018-05-05. Review status: criteria provided, single submitter. Criteria: Invitae Variant Classification Sherloc (09022015). Collection method: clinical testing. Allele origin: germline.
Comment: This variant is found within a region of MYH7 between codons 181 and 937 that contains the majority of the myosin head domain. Missense variants in this region have been shown to be significantly overrepresented in individuals with hypertrophic cardiomyopathy (PMID: 27532257). In summary, the available evidence is currently insufficient to determine the role of this variant in disease. Therefore, it has been classified as a Variant of Uncertain Significance. Algorithms developed to predict the effect of sequence changes on RNA splicing suggest that this variant may create or strengthen a splice site, but this prediction has not been confirmed by published transcriptional studies. A computational algorithm designed to assess the pathogenicity of variants in MYH7 with regard to hypertrophic cardiomyopathy predicted this sequence change to be deleterious. The algorithm has a sensitivity of 94% and a specificity of 89% (PMID: 21310275). This variant has not been reported in the literature in individuals with MYH7-related disease. This variant is not present in population databases (ExAC no frequency). This sequence change replaces glycine with glutamic acid at codon 253 of the MYH7 protein (p.Gly253Glu). The glycine residue is highly conserved and there is a moderate physicochemical difference between glycine and glutamic acid.

Literature cited by the submitters: PubMed 27532257 (cited by Labcorp Genetics (formerly Invitae), Labcorp); PubMed 21310275 (cited by Labcorp Genetics (formerly Invitae), Labcorp).